The following is an entry in ClinVar:

ClinVar aggregate classification (germline): Benign/Likely benign. Review status: criteria provided, multiple submitters, no conflicts (2 of 4 stars). 5 submissions from 5 submitters: Benign (3); Likely benign (2). Last evaluated 2026-09-01.

Conditions:
Combined immunodeficiency due to OX40 deficiency. Also called: OX40 DEFICIENCY; Immunodeficiency 16. Identifiers: Orphanet 431149, MedGen C3810053, MONDO:0014268, OMIM 615593.

Allele frequency attached by ClinVar (database versions not stated): 1000 Genomes Project 0.00339; 1000 Genomes Project 30x 0.00375; gnomAD 0.00533 and 0.00554; ESP Exome Variant Server 0.00746.
gnomAD v4.1: 11,239 of 1,563,318 alleles (0.72%); highest among the groups gnomAD compares: Non-Finnish European, 0.86%; 55 homozygotes.

Submissions (5):

CeGaT Center for Human Genetics Tuebingen
Classification: Likely benign. Last evaluated: 2026-09-01. Review status: criteria provided, single submitter. Criteria: CeGaT Center For Human Genetics Tuebingen Variant Classification Criteria Version 2. Collection method: clinical testing. Allele origin: germline. Affected: yes. Observed: 4 variant alleles.
Comment: TNFRSF4: BS2

Women's Health and Genetics/Laboratory Corporation of America, LabCorp
Classification: Benign. Last evaluated: 2026-04-07. Review status: criteria provided, single submitter. Criteria: LabCorp Variant Classification Summary - May 2015. Collection method: clinical testing. Allele origin: germline.

Labcorp Genetics (formerly Invitae), Labcorp
Classification: Benign for Combined immunodeficiency due to OX40 deficiency. Last evaluated: 2026-02-04. Review status: criteria provided, single submitter. Criteria: Invitae Variant Classification Sherloc (09022015). Collection method: clinical testing. Allele origin: germline.

Blueprint Genetics
Classification: Likely benign. Last evaluated: 2024-11-21. Review status: criteria provided, single submitter. Criteria: ACMG Guidelines, 2015. Collection method: clinical testing. Allele origin: germline.

Breakthrough Genomics
Classification: Benign. Review status: criteria provided, single submitter. Criteria: ACMG Guidelines, 2015. Collection method: not provided. Allele origin: germline. Inheritance: Autosomal recessive inheritance. Affected: yes.

NM_003327.4(TNFRSF4):c.764-19C>T

Gene: TNFRSF4 (TNF receptor superfamily member 4; minus strand). Cytogenetic location: 1p36.33.
Variant type: single nucleotide variant.
Coding change: c.764-19C>T on transcript NM_003327.4 (MANE Select); 19 bases into the intron before coding-DNA position 764, C replaced by T.
Molecular consequence: intron variant.
Genome position (GRCh38, 1-based): chr1:1,211,644, G>A on the plus strand (C>T on the coding strand, the complement: TNFRSF4 is on the minus strand). VCF-style: chr1-1211644-G-A. GRCh37 (hg19) VCF-style: chr1-1147024-G-A.
Identifiers: ClinVar variation 1168816 (VCV001168816.36), dbSNP rs34945898, ClinGen allele CA512335.